The following is an entry in ClinVar:

ClinVar aggregate classification (germline): Uncertain significance. Review status: criteria provided, multiple submitters, no conflicts (2 of 4 stars). 2 submissions from 2 submitters: Uncertain significance (2). Last evaluated 2024-09-20.

Conditions:
Primary dilated cardiomyopathy (DCM). Also called: Dilated Cardiomyopathy. Identifiers: Orphanet 217604, MedGen C0007193, MeSH D002311, MONDO:0005021, HP:0001644. Inheritance: Various modes of inheritance.
Hypertrophic cardiomyopathy. Also called: HYPERTROPHIC MYOCARDIOPATHY. Identifiers: Orphanet 217569, MedGen C0007194, MeSH D002312, MONDO:0005045, HP:0001639.

Allele frequency attached by ClinVar (database versions not stated): TOPMed below 0.00001; gnomAD 0.00001; gnomAD exomes 0.00001; ExAC 0.00003.
gnomAD v4.1: 10 of 1,608,160 alleles (0.00062%); highest among the groups gnomAD compares: Admixed American, 0.0017%; no homozygotes.

Submissions (2):

Ambry Genetics
Classification: Uncertain significance. Last evaluated: 2024-09-20. Review status: criteria provided, single submitter. Criteria: Ambry Variant Classification Scheme 2023. Collection method: clinical testing. Allele origin: germline.
Comment: The p.R16M variant (also known as c.47G>T), located in coding exon 1 of the PDLIM3 gene, results from a G to T substitution at nucleotide position 47. The arginine at codon 16 is replaced by methionine, an amino acid with similar properties. This amino acid position is conserved. In addition, the in silico prediction for this alteration is inconclusive. Based on the available evidence, the clinical significance of this variant remains unclear.

Labcorp Genetics (formerly Invitae), Labcorp
Classification: Uncertain significance for Hypertrophic cardiomyopathy; Primary dilated cardiomyopathy. Last evaluated: 2019-01-03. Review status: criteria provided, single submitter. Criteria: Invitae Variant Classification Sherloc (09022015). Collection method: clinical testing. Allele origin: germline.
Comment: This sequence change replaces arginine with methionine at codon 16 of the PDLIM3 protein (p.Arg16Met). The arginine residue is highly conserved and there is a moderate physicochemical difference between arginine and methionine. This variant is present in population databases (rs758987751, ExAC 0.006%). This variant has not been reported in the literature in individuals with PDLIM3-related conditions. Algorithms developed to predict the effect of missense changes on protein structure and function (SIFT, PolyPhen-2, Align-GVGD) all suggest that this variant is likely to be disruptive, but these predictions have not been confirmed by published functional studies and their clinical significance is uncertain. In summary, the available evidence is currently insufficient to determine the role of this variant in disease. Therefore, it has been classified as a Variant of Uncertain Significance.

NM_014476.6(PDLIM3):c.47G>T (p.Arg16Met)

Gene: PDLIM3 (PDZ and LIM domain 3; minus strand). Cytogenetic location: 4q35.1.
Variant type: single nucleotide variant.
Coding change: c.47G>T on transcript NM_014476.6 (MANE Select); coding-DNA position 47, G replaced by T.
Protein change: p.Arg16Met; replaces arginine 16 with methionine.
Molecular consequence: missense variant. On other transcripts: non-coding transcript variant (1).
Genome position (GRCh38, 1-based): chr4:185,535,388, C>A on the plus strand (G>T on the coding strand, the complement: PDLIM3 is on the minus strand). VCF-style: chr4-185535388-C-A. GRCh37 (hg19) VCF-style: chr4-186456542-C-A.
Other names: c.47G>T (NM_014476.4); c.47G>T, p.Arg16Met (NM_001114107.5, NM_001257962.2, NM_001257963.2); short protein forms R16M.
Identifiers: ClinVar variation 859804 (VCV000859804.2), dbSNP rs758987751, ClinGen allele CA3159926.